The following is an entry in ClinVar:

NM_001164508.2(NEB):c.25181C>A (p.Ser8394Ter)

Genes: RIF1 (replication timing regulatory factor 1; plus strand), NEB (nebulin; minus strand). Cytogenetic location: 2q23.3.
Variant type: single nucleotide variant.
Coding change: c.25181C>A on transcript NM_001164508.2 (MANE Select); coding-DNA position 25181, C replaced by A.
Protein change: p.Ser8394Ter; replaces serine 8394 with a stop codon.
Molecular consequence: nonsense.
Genome position (GRCh38, 1-based): chr2:151,490,488, G>T on the plus strand (C>A on the coding strand, the complement: NEB is on the minus strand). VCF-style: chr2-151490488-G-T. GRCh37 (hg19) VCF-style: chr2-152347002-G-T.
Other names: c.25286C>A (NM_001271208.1); c.25181C>A, p.Ser8394Ter (NM_001164507.2); c.25286C>A, p.Ser8429Ter (NM_001271208.2); c.19613C>A, p.Ser6538Ter (NM_004543.5); short protein forms S8394*, S6538*, S8429*.
Identifiers: ClinVar variation 1421987 (VCV001421987.8), dbSNP rs2055484249, ClinGen allele CA348771135.
Genomic context (GRCh38, chr2:151,490,488, plus strand): 5'-GCTTCTGAATGCTCAGACTTCTCCTCACCCCCACTGATGCTTAGTGCACTGGCAGATCGT[G>T]ACTGCTCCCGGCTCCGGCGCTGAGCTTGGACTGGGAGAGATGCAGTTGGGGGAGATGTAG-3'

ClinVar aggregate classification (germline): Pathogenic/Likely pathogenic. Review status: criteria provided, multiple submitters, no conflicts (2 of 4 stars). 3 submissions from 3 submitters: Pathogenic (2); Likely pathogenic (1). Last evaluated 2025-11-18.

Conditions:
Nemaline myopathy 2 (NEM2). Also called: Nemaline myopathy 2, autosomal recessive. Identifiers: MedGen C1850569, MONDO:0009725, OMIM 256030.
Arthrogryposis multiplex congenita 6. Identifiers: MedGen C5543431, MONDO:0030281, OMIM 619334.

Allele frequency attached by ClinVar (database versions not stated): TOPMed 0.00001.

Submissions (3):

Labcorp Genetics (formerly Invitae), Labcorp
Classification: Pathogenic for Nemaline myopathy 2. Last evaluated: 2025-11-18. Review status: criteria provided, single submitter. Criteria: Invitae Variant Classification Sherloc (09022015). Collection method: clinical testing. Allele origin: germline.
Comment: This sequence change creates a premature translational stop signal (p.Ser8429*) in the NEB gene. It is expected to result in an absent or disrupted protein product. Loss-of-function variants in NEB are known to be pathogenic (PMID: 25205138). This variant is not present in population databases (gnomAD no frequency). This variant has not been reported in the literature in individuals affected with NEB-related conditions. ClinVar contains an entry for this variant (Variation ID: 1421987). Algorithms developed to predict the effect of sequence changes on RNA splicing suggest that this variant may disrupt the consensus splice site. For these reasons, this variant has been classified as Pathogenic.

Natera, Inc.
Classification: Likely pathogenic for Nemaline myopathy type 2. Last evaluated: 2025-06-08. Review status: criteria provided, single submitter. Criteria: Natera Variant Classification Schema (03/2026). Collection method: clinical testing. Allele origin: germline.
Comment: The c.25286C>A variant in NEB is a nonsense variant predicted to introduce a stop codon at amino acid 8429. This variant is expected to result in nonsense mediated decay, truncation, or a dysfunctional protein product. This variant is rare in the general population with a frequency below the threshold expected for the associated phenotype(s). Given the available evidence, this variant is classified as Likely Pathogenic.

Baylor Genetics
Classification: Pathogenic for Arthrogryposis multiplex congenita 6. Last evaluated: 2023-01-12. Review status: criteria provided, single submitter. Criteria: ACMG Guidelines, 2015. Collection method: clinical testing. Allele origin: unknown.

Literature cited by the submitters: PubMed 25205138 (cited by Labcorp Genetics (formerly Invitae), Labcorp).